The following is an entry in ClinVar:

NM_022552.5(DNMT3A):c.2410C>T (p.Pro804Ser)

Gene: DNMT3A (DNA methyltransferase 3 alpha; minus strand). Cytogenetic location: 2p23.3.
Variant type: single nucleotide variant.
Coding change: c.2410C>T on transcript NM_022552.5 (MANE Select); coding-DNA position 2410, C replaced by T.
Protein change: p.Pro804Ser; replaces proline 804 with serine.
Molecular consequence: missense variant. On other transcripts: non-coding transcript variant (1).
Genome position (GRCh38, 1-based): chr2:25,237,004, G>A on the plus strand (C>T on the coding strand, the complement: DNMT3A is on the minus strand). VCF-style: chr2-25237004-G-A. GRCh37 (hg19) VCF-style: chr2-25459873-G-A.
Other names: c.1954C>T, p.Pro652Ser (NM_001320893.1); c.1741C>T, p.Pro581Ser (NM_001375819.1); c.1843C>T, p.Pro615Ser (NM_153759.3); c.2410C>T, p.Pro804Ser (NM_175629.2); short protein forms P581S, P615S, P652S, P804S.
Identifiers: ClinVar variation 3378010 (VCV003378010.1).

ClinVar aggregate classification (germline): Uncertain significance (1 of 4 stars; one submission).

Submission:

GeneDx
Classification: Uncertain significance. Last evaluated: 2024-05-14. Review status: criteria provided, single submitter. Criteria: GeneDx Variant Classification Process June 2021. Collection method: clinical testing. Allele origin: germline. Affected: yes.
Comment: Not observed at significant frequency in large population cohorts (gnomAD); In silico analysis supports that this missense variant has a deleterious effect on protein structure/function; Has not been previously published as pathogenic or benign to our knowledge